The following is an entry in ClinVar:

NM_014391.3(ANKRD1):c.*588A>C

Gene: ANKRD1 (ankyrin repeat domain 1; minus strand). Cytogenetic location: 10q23.31.
Variant type: single nucleotide variant.
Coding change: c.*588A>C on transcript NM_014391.3 (MANE Select); 588 bases downstream of the stop codon, A replaced by C.
Molecular consequence: 3 prime UTR variant.
Genome position (GRCh38, 1-based): chr10:90,912,278, T>G on the plus strand (A>C on the coding strand, the complement: ANKRD1 is on the minus strand). VCF-style: chr10-90912278-T-G. GRCh37 (hg19) VCF-style: chr10-92672035-T-G.
Identifiers: ClinVar variation 880082 (VCV000880082.4), dbSNP rs137950655, ClinGen allele CA211418584.

ClinVar aggregate classification (germline): Likely benign (1 of 4 stars; one submission).

Conditions:
Primary dilated cardiomyopathy (DCM). Also called: Dilated Cardiomyopathy. Identifiers: Orphanet 217604, MedGen C0007193, MeSH D002311, MONDO:0005021, HP:0001644. Inheritance: Various modes of inheritance.

Allele frequency attached by ClinVar (database versions not stated): gnomAD 0.00483 and 0.00510; 1000 Genomes Project 0.00779; 1000 Genomes Project 30x 0.00828.

Submission:

Illumina Laboratory Services, Illumina
Classification: Likely benign for Primary dilated cardiomyopathy. Last evaluated: 2018-01-12. Review status: criteria provided, single submitter. Criteria: ICSL Variant Classification Criteria 13 December 2019. Collection method: clinical testing. Allele origin: germline.
Comment: This variant was observed in the ICSL laboratory as part of a predisposition screen in an ostensibly healthy population. It had not been previously curated by ICSL or reported in the Human Gene Mutation Database (HGMD: prior to June 1st, 2018), and was therefore a candidate for classification through an automated scoring system. Utilizing variant allele frequency, disease prevalence and penetrance estimates, and inheritance mode, an automated score was calculated to assess if this variant is too frequent to cause the disease. Based on the score and internal cut-off values, a variant classified as likely benign is not then subjected to further curation. The score for this variant resulted in a classification of likely benign for this disease.